The following is an entry in ClinVar:

NM_006440.5(TXNRD2):c.704G>C (p.Gly235Ala)

Gene: TXNRD2 (thioredoxin reductase 2; minus strand). Cytogenetic location: 22q11.21.
Variant type: single nucleotide variant.
Coding change: c.704G>C on transcript NM_006440.5 (MANE Select); coding-DNA position 704, G replaced by C.
Protein change: p.Gly235Ala; replaces glycine 235 with alanine.
Molecular consequence: missense variant. On other transcripts: non-coding transcript variant (1).
Genome position (GRCh38, 1-based): chr22:19,898,109, C>G on the plus strand (G>C on the coding strand, the complement: TXNRD2 is on the minus strand). VCF-style: chr22-19898109-C-G. GRCh37 (hg19) VCF-style: chr22-19885632-C-G.
Other names: c.704G>C (NM_006440.3); c.704G>C, p.Gly235Ala (NM_001282512.3); c.701G>C, p.Gly234Ala (NM_001352300.2); c.614G>C, p.Gly205Ala (NM_001352301.2); c.416G>C, p.Gly139Ala (NM_001352302.2); c.608G>C, p.Gly203Ala (NM_001352303.2); short protein forms G235A, G139A, G203A, G205A, G234A.
Identifiers: ClinVar variation 579546 (VCV000579546.8), dbSNP rs1259831281, ClinGen allele CA410687606.

ClinVar aggregate classification (germline): Uncertain significance. Review status: criteria provided, multiple submitters, no conflicts (2 of 4 stars). 2 submissions from 2 submitters: Uncertain significance (2). Last evaluated 2025-03-18.

Conditions:
Cardiovascular phenotype. Identifiers: MedGen CN230736.
Primary dilated cardiomyopathy (DCM). Also called: Dilated Cardiomyopathy. Identifiers: Orphanet 217604, MedGen C0007193, MeSH D002311, MONDO:0005021, HP:0001644. Inheritance: Various modes of inheritance.

Allele frequency attached by ClinVar (database versions not stated): TOPMed below 0.00001.
gnomAD v4.1: 6 of 1,564,302 alleles (0.00038%); highest among the groups gnomAD compares: African/African-American, 0.0014%; no homozygotes.

Submissions (2):

Ambry Genetics
Classification: Uncertain significance for Cardiovascular phenotype. Last evaluated: 2025-03-18. Review status: criteria provided, single submitter. Criteria: Ambry Variant Classification Scheme 2023. Collection method: clinical testing. Allele origin: germline.
Comment: The p.G235A variant (also known as c.704G>C), located in coding exon 10 of the TXNRD2 gene, results from a G to C substitution at nucleotide position 704. The glycine at codon 235 is replaced by alanine, an amino acid with similar properties. This amino acid position is conserved. In addition, the in silico prediction for this alteration is inconclusive. Based on the available evidence, the clinical significance of this variant remains unclear.

Labcorp Genetics (formerly Invitae), Labcorp
Classification: Uncertain significance for Primary dilated cardiomyopathy. Last evaluated: 2024-04-03. Review status: criteria provided, single submitter. Criteria: Invitae Variant Classification Sherloc (09022015). Collection method: clinical testing. Allele origin: germline.
Comment: This sequence change replaces glycine, which is neutral and non-polar, with alanine, which is neutral and non-polar, at codon 235 of the TXNRD2 protein (p.Gly235Ala). This variant is present in population databases (no rsID available, gnomAD 0.01%). This variant has not been reported in the literature in individuals affected with TXNRD2-related conditions. ClinVar contains an entry for this variant (Variation ID: 579546). Advanced modeling of protein sequence and biophysical properties (such as structural, functional, and spatial information, amino acid conservation, physicochemical variation, residue mobility, and thermodynamic stability) performed at Invitae indicates that this missense variant is expected to disrupt TXNRD2 protein function with a positive predictive value of 80%. In summary, the available evidence is currently insufficient to determine the role of this variant in disease. Therefore, it has been classified as a Variant of Uncertain Significance.